The following is an entry in ClinVar:

NM_000038.6(APC):c.698A>C (p.Gln233Pro)

Gene: APC (APC regulator of Wnt signaling pathway; plus strand). Cytogenetic location: 5q22.2.
Variant type: single nucleotide variant.
Coding change: c.698A>C on transcript NM_000038.6 (MANE Select); coding-DNA position 698, A replaced by C.
Protein change: p.Gln233Pro; replaces glutamine 233 with proline.
Molecular consequence: missense variant. On other transcripts: 5 prime UTR variant (1), intron variant (2).
Genome position (GRCh38, 1-based): chr5:112,792,498, A>C. VCF-style: chr5-112792498-A-C. GRCh37 (hg19) VCF-style: chr5-112128195-A-C.
Other names: c.728A>C, p.Gln243Pro (NM_001354897.2, NM_001354902.2); c.623A>C, p.Gln208Pro (NM_001354898.2, NM_001354904.2); c.521A>C, p.Gln174Pro (NM_001354900.2, NM_001354901.2, NM_001354905.2); c.698A>C, p.Gln233Pro (NM_001127510.3, NM_001354895.2, NM_001354896.2 and 1 more transcripts); c.-338A>C (NM_001354906.2); c.676-8781A>C (NM_001127511.3); c.646-8781A>C (NM_001354899.2); short protein forms Q174P, Q208P, Q233P, Q243P.
Identifiers: ClinVar variation 1502172 (VCV001502172.6), dbSNP rs2149684577, ClinGen allele CA16022858.

ClinVar aggregate classification (germline): Uncertain significance. Review status: criteria provided, multiple submitters, no conflicts (2 of 4 stars). 2 submissions from 2 submitters: Uncertain significance (2). Last evaluated 2025-10-14.

Conditions:
Hereditary cancer-predisposing syndrome. Also called: Hereditary neoplastic syndrome; Tumor predisposition; Neoplastic Syndromes, Hereditary; Hereditary Cancer Syndrome. Identifiers: Orphanet 140162, MedGen C0027672, MeSH D009386, MONDO:0015356.
Familial adenomatous polyposis 1 (FAP1). Also called: FAMILIAL ADENOMATOUS POLYPOSIS 1, ATTENUATED; POLYPOSIS, ADENOMATOUS INTESTINAL. Identifiers: MedGen C2713442, MONDO:0021056, OMIM 175100. Disease mechanism: loss of function.

Submissions (2):

Labcorp Genetics (formerly Invitae), Labcorp
Classification: Uncertain significance for Familial adenomatous polyposis 1. Last evaluated: 2025-10-14. Review status: criteria provided, single submitter. Criteria: Invitae Variant Classification Sherloc (09022015). Collection method: clinical testing. Allele origin: germline.
Comment: This sequence change replaces glutamine, which is neutral and polar, with proline, which is neutral and non-polar, at codon 233 of the APC protein (p.Gln233Pro). This variant is not present in population databases (gnomAD no frequency). This variant has not been reported in the literature in individuals affected with APC-related conditions. ClinVar contains an entry for this variant (Variation ID: 1502172). Invitae Evidence Modeling of protein sequence and biophysical properties (such as structural, functional, and spatial information, amino acid conservation, physicochemical variation, residue mobility, and thermodynamic stability) indicates that this missense variant is not expected to disrupt APC protein function with a negative predictive value of 95%. In summary, the available evidence is currently insufficient to determine the role of this variant in disease. Therefore, it has been classified as a Variant of Uncertain Significance.

Ambry Genetics
Classification: Uncertain significance for Hereditary cancer-predisposing syndrome. Last evaluated: 2020-12-08. Review status: criteria provided, single submitter. Criteria: Ambry Variant Classification Scheme 2023. Collection method: clinical testing. Allele origin: germline.
Comment: The p.Q233P variant (also known as c.698A>C), located in coding exon 6 of the APC gene, results from an A to C substitution at nucleotide position 698. The glutamine at codon 233 is replaced by proline, an amino acid with similar properties. This amino acid position is highly conserved in available vertebrate species. In addition, in silico predictors for this gene do not accurately predict pathogenicity. Since supporting evidence is limited at this time, the clinical significance of this alteration remains unclear.